The following is an entry in ClinVar:

NM_000430.4(PAFAH1B1):c.629C>A (p.Ala210Asp)

Gene: PAFAH1B1 (platelet activating factor acetylhydrolase 1b regulatory subunit 1; plus strand). Cytogenetic location: 17p13.3.
Variant type: single nucleotide variant.
Coding change: c.629C>A on transcript NM_000430.4 (MANE Select); coding-DNA position 629, C replaced by A.
Protein change: p.Ala210Asp; replaces alanine 210 with aspartic acid.
Molecular consequence: missense variant.
Genome position (GRCh38, 1-based): chr17:2,672,715, C>A. VCF-style: chr17-2672715-C-A. GRCh37 (hg19) VCF-style: chr17-2576009-C-A.
Other names: short protein forms A210D.
Identifiers: ClinVar variation 2126694 (VCV002126694.1), dbSNP rs2544102636, ClinGen allele CA397641339.

ClinVar aggregate classification (germline): Uncertain significance (1 of 4 stars; one submission).

Submission:

Labcorp Genetics (formerly Invitae), Labcorp
Classification: Uncertain significance. Last evaluated: 2022-04-16. Review status: criteria provided, single submitter. Criteria: Invitae Variant Classification Sherloc (09022015). Collection method: clinical testing. Allele origin: germline.
Comment: This sequence change replaces alanine, which is neutral and non-polar, with aspartic acid, which is acidic and polar, at codon 210 of the PAFAH1B1 protein (p.Ala210Asp). This variant is not present in population databases (gnomAD no frequency). This variant has not been reported in the literature in individuals affected with PAFAH1B1-related conditions. Algorithms developed to predict the effect of missense changes on protein structure and function are either unavailable or do not agree on the potential impact of this missense change (SIFT: "Deleterious"; PolyPhen-2: "Probably Damaging"; Align-GVGD: "Class C0"). In summary, the available evidence is currently insufficient to determine the role of this variant in disease. Therefore, it has been classified as a Variant of Uncertain Significance.